The following is an entry in ClinVar:

NM_001393769.1(MED12L):c.6014G>A (p.Arg2005Lys)

Gene: MED12L (mediator complex subunit 12L; plus strand). Cytogenetic location: 3q25.1.
Variant type: single nucleotide variant.
Coding change: c.6014G>A on transcript NM_001393769.1 (MANE Select); coding-DNA position 6014, G replaced by A.
Protein change: p.Arg2005Lys; replaces arginine 2005 with lysine.
Molecular consequence: missense variant.
Genome position (GRCh38, 1-based): chr3:151,411,381, G>A. VCF-style: chr3-151411381-G-A. GRCh37 (hg19) VCF-style: chr3-151129169-G-A.
Other names: c.5909G>A, p.Arg1970Lys (NM_053002.6); short protein forms R1970K, R2005K.
Identifiers: ClinVar variation 4885421 (VCV004885421.2).

ClinVar aggregate classification (germline): Uncertain significance (1 of 4 stars; one submission).

gnomAD v4.1: 3 of 1,614,160 alleles (0.00019%); highest among the groups gnomAD compares: Admixed American, 0.005%; no homozygotes.

Submission:

Dasa
Classification: Uncertain significance. Last evaluated: 2026-01-27. Review status: criteria provided, single submitter. Criteria: DASA Assertion Criteria. Collection method: clinical testing. Allele origin: germline.
Comment: NM_001393769.1(MED12L):c.6014G>A (p.Arg2005Lys) is a missense variant that results in the substitution of arginine with lysine. This variant is rare in population databases. Computational prediction algorithms are consistent with a benign effect. The currently available literature and clinical evidence are not sufficient to establish a definitive association between this variant and the reported condition. Therefore, this variant is classified as a variant of uncertain significance.